The following is an entry in ClinVar:

ClinVar aggregate classification (germline): Uncertain significance (1 of 4 stars; one submission).

Conditions:
Nephronophthisis. Also called: Juvenile Nephronophthisis. Identifiers: Orphanet 655, MedGen C0687120, MONDO:0019005, HP:0000090.

Allele frequency attached by ClinVar (database versions not stated): gnomAD exomes 0.00001.
gnomAD v4.1: 4 of 1,597,890 alleles (0.00025%); highest among the groups gnomAD compares: Non-Finnish European, 0.00034%; no homozygotes.

Submission:

Labcorp Genetics (formerly Invitae), Labcorp
Classification: Uncertain significance for Nephronophthisis. Last evaluated: 2020-02-15. Review status: criteria provided, single submitter. Criteria: Invitae Variant Classification Sherloc (09022015). Collection method: clinical testing. Allele origin: germline.
Comment: This variant has not been reported in the literature in individuals with NPHP3-related conditions. Algorithms developed to predict the effect of missense changes on protein structure and function are either unavailable or do not agree on the potential impact of this missense change (SIFT: "Deleterious"; PolyPhen-2: "Probably Damaging"; Align-GVGD: "Class C0"). Algorithms developed to predict the effect of sequence changes on RNA splicing suggest that this variant may create or strengthen a splice site, but this prediction has not been confirmed by published transcriptional studies. In summary, the available evidence is currently insufficient to determine the role of this variant in disease. Therefore, it has been classified as a Variant of Uncertain Significance. This variant is not present in population databases (ExAC no frequency). This sequence change replaces leucine with valine at codon 578 of the NPHP3 protein (p.Leu578Val). The leucine residue is highly conserved and there is a small physicochemical difference between leucine and valine.

NM_153240.5(NPHP3):c.1732C>G (p.Leu578Val)

Genes: NPHP3 (nephrocystin 3; minus strand), NPHP3-ACAD11 (NPHP3-ACAD11 readthrough (NMD candidate); minus strand). Cytogenetic location: 3q22.1.
Variant type: single nucleotide variant.
Coding change: c.1732C>G on transcript NM_153240.5 (MANE Select); coding-DNA position 1732, C replaced by G.
Protein change: p.Leu578Val; replaces leucine 578 with valine.
Molecular consequence: missense variant. On other transcripts: non-coding transcript variant (1).
Genome position (GRCh38, 1-based): chr3:132,700,345, G>C on the plus strand (C>G on the coding strand, the complement: NPHP3 is on the minus strand). VCF-style: chr3-132700345-G-C. GRCh37 (hg19) VCF-style: chr3-132419189-G-C.
Other names: short protein forms L578V.
Identifiers: ClinVar variation 1026136 (VCV001026136.8), dbSNP rs1939573837, ClinGen allele CA354582932.